The following is an entry in ClinVar:

NM_001199753.2(CPT1C):c.2308C>T (p.Arg770Cys)

Gene: CPT1C (carnitine palmitoyltransferase 1C; plus strand). Cytogenetic location: 19q13.33.
Variant type: single nucleotide variant.
Coding change: c.2308C>T on transcript NM_001199753.2 (MANE Select); coding-DNA position 2308, C replaced by T.
Protein change: p.Arg770Cys; replaces arginine 770 with cysteine.
Molecular consequence: missense variant. On other transcripts: non-coding transcript variant (1).
Genome position (GRCh38, 1-based): chr19:49,713,501, C>T. VCF-style: chr19-49713501-C-T. GRCh37 (hg19) VCF-style: chr19-50216758-C-T.
Other names: c.2275C>T, p.Arg759Cys (NM_001136052.3, NM_001378485.1); c.2308C>T, p.Arg770Cys (NM_001199752.3, NM_001378483.1, NM_001378484.1 and 1 more transcripts); c.2374C>T, p.Arg792Cys (NM_001378482.1); c.2173C>T, p.Arg725Cys (NM_001378486.1, NM_001378488.1); c.2140C>T, p.Arg714Cys (NM_001378487.1); short protein forms R714C, R725C, R759C, R770C, R792C.
Identifiers: ClinVar variation 2415556 (VCV002415556.6), dbSNP rs967995964, ClinGen allele CA309520194.

ClinVar aggregate classification (germline): Uncertain significance (1 of 4 stars; one submission).

Conditions:
Hereditary spastic paraplegia 73. Also called: Spastic paraplegia 73, autosomal dominant. Identifiers: Orphanet 444099, MedGen C5568981, MONDO:0014568, OMIM 616282.

Submission:

Labcorp Genetics (formerly Invitae), Labcorp
Classification: Uncertain significance for Hereditary spastic paraplegia 73. Last evaluated: 2022-05-05. Review status: criteria provided, single submitter. Criteria: Invitae Variant Classification Sherloc (09022015). Collection method: clinical testing. Allele origin: germline.
Comment: This variant has not been reported in the literature in individuals affected with CPT1C-related conditions. This variant is present in population databases (no rsID available, gnomAD 0.0009%). This sequence change replaces arginine, which is basic and polar, with cysteine, which is neutral and slightly polar, at codon 759 of the CPT1C protein (p.Arg759Cys). Algorithms developed to predict the effect of missense changes on protein structure and function output the following: SIFT: "Deleterious"; PolyPhen-2: "Benign"; Align-GVGD: "Class C0". The cysteine amino acid residue is found in multiple mammalian species, which suggests that this missense change does not adversely affect protein function. In summary, the available evidence is currently insufficient to determine the role of this variant in disease. Therefore, it has been classified as a Variant of Uncertain Significance.